The following is an entry in ClinVar:

ClinVar aggregate classification (germline): Uncertain significance. Review status: criteria provided, multiple submitters, no conflicts (2 of 4 stars). 2 submissions from 2 submitters: Uncertain significance (2). Last evaluated 2022-06-21.

Conditions:
Inborn genetic diseases. Identifiers: MedGen C0950123, MeSH D030342.
Focal segmental glomerulosclerosis 5 (FSGS5). Identifiers: Orphanet 656, MedGen C2750475, MONDO:0013191, OMIM 613237.
Charcot-Marie-Tooth disease dominant intermediate E. Also called: CHARCOT-MARIE-TOOTH NEUROPATHY WITH FOCAL SEGMENTAL GLOMERULONEPHRITIS. Identifiers: Orphanet 93114, MedGen C4302667, MONDO:0013758, OMIM 614455.

Submissions (2):

Ambry Genetics
Classification: Uncertain significance for Inborn genetic diseases. Last evaluated: 2022-06-21. Review status: criteria provided, single submitter. Criteria: Ambry Variant Classification Scheme 2023. Collection method: clinical testing. Allele origin: germline.
Comment: The p.R953P variant (also known as c.2858G>C), located in coding exon 18 of the INF2 gene, results from a G to C substitution at nucleotide position 2858. The arginine at codon 953 is replaced by proline, an amino acid with dissimilar properties. This amino acid position is conserved. In addition, this alteration is predicted to be tolerated by in silico analysis. Since supporting evidence is limited at this time, the clinical significance of this alteration remains unclear.

Labcorp Genetics (formerly Invitae), Labcorp
Classification: Uncertain significance for Charcot-Marie-Tooth disease dominant intermediate E; Focal segmental glomerulosclerosis 5. Last evaluated: 2022-04-19. Review status: criteria provided, single submitter. Criteria: Invitae Variant Classification Sherloc (09022015). Collection method: clinical testing. Allele origin: germline.
Comment: This sequence change replaces arginine, which is basic and polar, with proline, which is neutral and non-polar, at codon 953 of the INF2 protein (p.Arg953Pro). In summary, the available evidence is currently insufficient to determine the role of this variant in disease. Therefore, it has been classified as a Variant of Uncertain Significance. Advanced modeling of protein sequence and biophysical properties (such as structural, functional, and spatial information, amino acid conservation, physicochemical variation, residue mobility, and thermodynamic stability) performed at Invitae indicates that this missense variant is expected to disrupt INF2 protein function. This variant has not been reported in the literature in individuals affected with INF2-related conditions. This variant is not present in population databases (gnomAD no frequency).

NM_022489.4(INF2):c.2858G>C (p.Arg953Pro)

Gene: INF2 (inverted formin 2; plus strand). Cytogenetic location: 14q32.33.
Variant type: single nucleotide variant.
Coding change: c.2858G>C on transcript NM_022489.4 (MANE Select); coding-DNA position 2858, G replaced by C.
Protein change: p.Arg953Pro; replaces arginine 953 with proline.
Molecular consequence: missense variant.
Genome position (GRCh38, 1-based): chr14:104,713,289, G>C. VCF-style: chr14-104713289-G-C. GRCh37 (hg19) VCF-style: chr14-105179626-G-C.
Other names: c.2858G>C, p.Arg953Pro (NM_001031714.4); short protein forms R953P.
Identifiers: ClinVar variation 1796905 (VCV001796905.7), dbSNP rs1385146569, ClinGen allele CA391222789.